The following is an entry in ClinVar:

NM_000742.4(CHRNA2):c.1471G>A (p.Glu491Lys)

Gene: CHRNA2 (cholinergic receptor nicotinic alpha 2 subunit; minus strand). Cytogenetic location: 8p21.2.
Variant type: single nucleotide variant.
Coding change: c.1471G>A on transcript NM_000742.4 (MANE Select); coding-DNA position 1471, G replaced by A.
Protein change: p.Glu491Lys; replaces glutamic acid 491 with lysine.
Molecular consequence: missense variant.
Genome position (GRCh38, 1-based): chr8:27,461,748, C>T on the plus strand (G>A on the coding strand, the complement: CHRNA2 is on the minus strand). VCF-style: chr8-27461748-C-T. GRCh37 (hg19) VCF-style: chr8-27319265-C-T.
Other names: c.1426G>A, p.Glu476Lys (NM_001282455.2); c.994G>A, p.Glu332Lys (NM_001347705.2, NM_001347706.2); c.877G>A, p.Glu293Lys (NM_001347707.2, NM_001347708.2); short protein forms E293K, E332K, E476K, E491K.
Identifiers: ClinVar variation 3364112 (VCV003364112.1).

ClinVar aggregate classification (germline): Uncertain significance (1 of 4 stars; one submission).

gnomAD v4.1: 2 of 1,614,106 alleles (0.00012%); highest among the groups gnomAD compares: Admixed American, 0.0033%; no homozygotes.

Submission:

GeneDx
Classification: Uncertain significance. Last evaluated: 2023-11-12. Review status: criteria provided, single submitter. Criteria: GeneDx Variant Classification Process June 2021. Collection method: clinical testing. Allele origin: germline. Affected: yes.
Comment: Not observed at significant frequency in large population cohorts (gnomAD); In silico analysis supports that this missense variant has a deleterious effect on protein structure/function; Has not been previously published as pathogenic or benign to our knowledge